The following is an entry in ClinVar:

NM_000535.7(PMS2):c.2275+18A>T

Gene: PMS2 (PMS1 homolog 2, mismatch repair system component; minus strand). Cytogenetic location: 7p22.1.
Variant type: single nucleotide variant.
Coding change: c.2275+18A>T on transcript NM_000535.7 (MANE Select); 18 bases into the intron after coding-DNA position 2275, A replaced by T.
Molecular consequence: intron variant.
Genome position (GRCh38, 1-based): chr7:5,978,578, T>A on the plus strand (A>T on the coding strand, the complement: PMS2 is on the minus strand). VCF-style: chr7-5978578-T-A. GRCh37 (hg19) VCF-style: chr7-6018209-T-A.
Other names: c.1957+18A>T (NM_001322008.2, NM_001406883.1, NM_001322007.2 and 1 more transcripts); c.1966+18A>T (NM_001406881.1, NM_001406879.1, NM_001322015.2 and 5 more transcripts); c.1870+18A>T (NM_001406895.1, NM_001322004.2, NM_001406889.1 and 14 more transcripts); c.1504+18A>T (NM_001406911.1); c.1714+18A>T (NM_001322010.2, NM_001406906.1, NM_001406907.1); c.1801+18A>T (NM_001406902.1, NM_001406901.1); c.1762+18A>T (NM_001406904.1, NM_001406905.1); c.1702+18A>T (NM_001322013.2, NM_001406908.1, NM_001406909.1); and 16 more.
Identifiers: ClinVar variation 3076174 (VCV003076174.1), dbSNP rs2128681638, ClinGen allele CA2713826069.

ClinVar aggregate classification (germline): Uncertain significance (1 of 4 stars; one submission).

Conditions:
Hereditary cancer-predisposing syndrome. Also called: Neoplastic Syndromes, Hereditary; Tumor predisposition; Hereditary neoplastic syndrome; Hereditary Cancer Syndrome. Identifiers: Orphanet 140162, MedGen C0027672, MeSH D009386, MONDO:0015356.

Submission:

Ambry Genetics
Classification: Uncertain significance for Hereditary cancer-predisposing syndrome. Last evaluated: 2015-05-19. Review status: criteria provided, single submitter. Criteria: Ambry Variant Classification Scheme 2023. Collection method: clinical testing. Allele origin: germline.
Comment: The c.2275+18A>T intronic alteration consists of a A to T substitution 8 nucleotides after coding exon 13 in the PMS2 gene. Based on insufficient or conflicting evidence, the clinical significance of this alteration remains unclear.